The following is an entry in ClinVar:

NM_015072.5(TTLL5):c.2412_2420delinsAATTTTTT (p.Thr805fs)

Gene: TTLL5 (tubulin tyrosine ligase like 5; plus strand). Cytogenetic location: 14q24.3.
Variant type: Indel.
Coding change: c.2412_2420delinsAATTTTTT on transcript NM_015072.5 (MANE Select); coding-DNA positions 2412 to 2420, GACTTTTTA replaced by AATTTTTT.
Protein change: p.Thr805fs; shifts the reading frame from threonine 805.
Molecular consequence: frameshift variant.
Genome position (GRCh38, 1-based): chr14:75,779,599-75,779,607, GACTTTTTA replaced by AATTTTTT. VCF-style: chr14-75779599-GACTTTTTA-AATTTTTT. GRCh37 (hg19) VCF-style: chr14-76245942-GACTTTTTA-AATTTTTT.
Other names: NC_000014.8:g.76245942_76245950delinsAATTTTTT; NP_055887.3:p.(Thr805IlefsTer40); short protein forms T805fs.
Identifiers: ClinVar variation 2577498 (VCV002577498.2), dbSNP rs2503293795, ClinGen allele CA2580617482.

ClinVar aggregate classification (germline): Likely pathogenic (1 of 4 stars; one submission).

Conditions:
Cone-rod dystrophy. Also called: Cone-rod degeneration; Cone/cone-rod dystrophy. Identifiers: Orphanet 1872, MedGen C4085590, MONDO:0015993, HP:0000548.

Submission:

Ophthalmic Genetics Group, Institute of Molecular and Clinical Ophthalmology Basel
Classification: Likely pathogenic for Cone-rod dystrophy. Last evaluated: 2023-07-24. Review status: criteria provided, single submitter. Criteria: ACMG Guidelines, 2015. Collection method: research. Allele origin: germline. Affected: yes. Observed: 1 variant allele.
Comment: Clinical significance based on ACMG v2.0

This variant was classified as Likely pathogenic based on ACMG criteria: PVS1, PM2.

Literature cited by the submitters: PubMed 36909829.